The following is an entry in ClinVar:

NM_001079843.3(CASZ1):c.3903C>A (p.His1301Gln)

Gene: CASZ1 (castor zinc finger 1; minus strand). Cytogenetic location: 1p36.22.
Variant type: single nucleotide variant.
Coding change: c.3903C>A on transcript NM_001079843.3 (MANE Select); coding-DNA position 3903, C replaced by A.
Protein change: p.His1301Gln; replaces histidine 1301 with glutamine.
Molecular consequence: missense variant.
Genome position (GRCh38, 1-based): chr1:10,643,277, G>T on the plus strand (C>A on the coding strand, the complement: CASZ1 is on the minus strand). VCF-style: chr1-10643277-G-T. GRCh37 (hg19) VCF-style: chr1-10703334-G-T.
Other names: short protein forms H1301Q.
Identifiers: ClinVar variation 3602348 (VCV003602348.1).
Genomic context (GRCh38, chr1:10,643,277, plus strand): 5'-CGCGTGGGAGGTCATCTGGTGCTTGAGGAGGAAGGAGAACTGGCAGCCCTCCCGGATGCA[G>T]TGGAAGTGGCTGTTCACCTGGTTGTACTTGCAACCTGTGGACACAGCCCCACCTGGCATG-3'
Protein context (NP_001073312.1, residues 1291-1311): CKYNQVNSHF[His1301Gln]CIREGCQFSF

ClinVar aggregate classification (germline): Uncertain significance (1 of 4 stars; one submission).

Submission:

GeneDx
Classification: Uncertain significance. Last evaluated: 2024-08-02. Review status: criteria provided, single submitter. Criteria: GeneDx Variant Classification Process June 2021. Collection method: clinical testing. Allele origin: germline. Affected: yes.
Comment: Not observed at significant frequency in large population cohorts (gnomAD); In silico analysis supports that this missense variant has a deleterious effect on protein structure/function; Has not been previously published as pathogenic or benign to our knowledge